The following is an entry in ClinVar:

ClinVar aggregate classification (germline): Likely benign. Review status: criteria provided, multiple submitters, no conflicts (2 of 4 stars). 2 submissions from 2 submitters: Likely benign (2). Last evaluated 2026-07-01.

Conditions:
Hereditary spastic paraplegia 30. Identifiers: Orphanet 101010, MedGen C5235139, MONDO:0012476.
Neuropathy, hereditary sensory, type 2C. Also called: KIF1A-Related HSAN2 (HSAN2C); Hereditary sensory and autonomic neuropathy type IIC. Identifiers: Orphanet 970, MedGen C3280168, MONDO:0013634, OMIM 614213.
Intellectual disability, autosomal dominant 9 (NESCAVS). Also called: NESCAV SYNDROME; KIF1A-Related Neurodevelopmental Disorder. Identifiers: Orphanet 662367, MedGen C5393830, MONDO:0013656, OMIM 614255.

gnomAD v4.1: 10 of 1,568,180 alleles (0.00064%); highest among the groups gnomAD compares: Non-Finnish European, 0.00086%; no homozygotes.

Submissions (2):

CeGaT Center for Human Genetics Tuebingen
Classification: Likely benign. Last evaluated: 2026-07-01. Review status: criteria provided, single submitter. Criteria: CeGaT Center For Human Genetics Tuebingen Variant Classification Criteria Version 2. Collection method: clinical testing. Allele origin: germline. Affected: yes. Observed: 1 variant allele.
Comment: KIF1A: BP4, BP7

Labcorp Genetics (formerly Invitae), Labcorp
Classification: Likely benign for Hereditary spastic paraplegia 30; Neuropathy, hereditary sensory, type 2C; Intellectual disability, autosomal dominant 9. Last evaluated: 2024-05-08. Review status: criteria provided, single submitter. Criteria: Invitae Variant Classification Sherloc (09022015). Collection method: clinical testing. Allele origin: germline.

NM_001244008.2(KIF1A):c.1974C>T (p.Tyr658=)

Gene: KIF1A (kinesin family member 1A; minus strand). Cytogenetic location: 2q37.3.
Variant type: single nucleotide variant.
Coding change: c.1974C>T on transcript NM_001244008.2 (MANE Select); coding-DNA position 1974, C replaced by T.
Protein change: p.Tyr658=; no amino-acid change (tyrosine 658 retained).
Molecular consequence: synonymous variant.
Genome position (GRCh38, 1-based): chr2:240,763,067, G>A on the plus strand (C>T on the coding strand, the complement: KIF1A is on the minus strand). VCF-style: chr2-240763067-G-A. GRCh37 (hg19) VCF-style: chr2-241702484-G-A.
Other names: c.1974C>T, p.Tyr658= (NM_001320705.2, NM_001330289.2, NM_001379638.1); c.2049C>T, p.Tyr683= (NM_001330290.2, NM_001379631.1, NM_001379634.1 and 2 more transcripts); c.1947C>T, p.Tyr649= (NM_001379632.1, NM_001379633.1, NM_001379636.1 and 10 more transcripts); c.2022C>T, p.Tyr674= (NM_001379637.1, NM_001379648.1).
Identifiers: ClinVar variation 1639888 (VCV001639888.9), dbSNP rs1231529946, ClinGen allele CA432234590.
Genomic context (GRCh38, chr2:240,763,067, plus strand): 5'-CACGTCACTCACCAGCCGCTGCTGCTCCAGCAGGTAGGTGGCCTCCTCCCGCTCGCGGCG[G>A]TACTGGTCCTCCAGTTCCTGGAGCCTGCAAGGGGGCATTGGGGTGAGCACGGGAGGGCAG-3'
Protein context (NP_001230937.1, residues 648-668): EQRLQELEDQ[Tyr658=]RREREEATYL